The following is an entry in ClinVar:

ClinVar aggregate classification (germline): Uncertain significance (1 of 4 stars; one submission).

gnomAD v4.1: 20 of 1,613,250 alleles (0.0012%); highest among the groups gnomAD compares: South Asian, 0.019%; no homozygotes.

Submission:

GeneDx
Classification: Uncertain significance. Last evaluated: 2026-04-16. Review status: criteria provided, single submitter. Criteria: GeneDx Variant Classification Process June 2021. Collection method: clinical testing. Allele origin: germline.
Comment: In silico analysis supports that this missense variant has a deleterious effect on protein structure/function; Has not been previously published as pathogenic or benign to our knowledge

NM_032119.4(ADGRV1):c.3521G>A (p.Gly1174Glu)

Gene: ADGRV1 (adhesion G protein-coupled receptor V1; plus strand). Cytogenetic location: 5q14.3.
Variant type: single nucleotide variant.
Coding change: c.3521G>A on transcript NM_032119.4 (MANE Select); coding-DNA position 3521, G replaced by A.
Protein change: p.Gly1174Glu; replaces glycine 1174 with glutamic acid.
Molecular consequence: missense variant. On other transcripts: non-coding transcript variant (1).
Genome position (GRCh38, 1-based): chr5:90,652,450, G>A. VCF-style: chr5-90652450-G-A. GRCh37 (hg19) VCF-style: chr5-89948267-G-A.
Other names: short protein forms G1174E.
Identifiers: ClinVar variation 5037156 (VCV005037156.1).
Genomic context (GRCh38, chr5:90,652,450, plus strand): 5'-GGCAGCTCTTTCAGAATGATTCTGCTTTGCAGCCTGGGCAGGAGTTCTATGAAACTTCAG[G>A]AACTGTTAACTTCATGGATGGAGAAGAAGCAAAACCAATCATTCTCCATGCTTTTCCAGA-3'
Protein context (NP_115495.3, residues 1164-1184): QPGQEFYETS[Gly1174Glu]TVNFMDGEEA